The following is an entry in ClinVar:

NM_032444.4(SLX4):c.2924C>T (p.Pro975Leu)

Gene: SLX4 (SLX4 structure-specific endonuclease subunit; minus strand). Cytogenetic location: 16p13.3.
Variant type: single nucleotide variant.
Coding change: c.2924C>T on transcript NM_032444.4 (MANE Select); coding-DNA position 2924, C replaced by T.
Protein change: p.Pro975Leu; replaces proline 975 with leucine.
Molecular consequence: missense variant.
Genome position (GRCh38, 1-based): chr16:3,590,714, G>A on the plus strand (C>T on the coding strand, the complement: SLX4 is on the minus strand). VCF-style: chr16-3590714-G-A. GRCh37 (hg19) VCF-style: chr16-3640715-G-A.
Other names: c.2924C>T (LRG_503t1, NM_032444.3); short protein forms P975L.
Identifiers: ClinVar variation 241677 (VCV000241677.30), dbSNP rs114472821, ClinGen allele CA7866038.

ClinVar aggregate classification (germline): Benign/Likely benign. Review status: criteria provided, multiple submitters, no conflicts (2 of 4 stars). 14 submissions from 14 submitters: Benign (6); Likely benign (3). 5 of the submissions do not count toward it. Last evaluated 2026-02-10.

Conditions:
Hereditary cancer-predisposing syndrome. Also called: Tumor predisposition; Hereditary neoplastic syndrome; Hereditary Cancer Syndrome; Neoplastic Syndromes, Hereditary. Identifiers: Orphanet 140162, MedGen C0027672, MeSH D009386, MONDO:0015356.
Fanconi anemia complementation group P. Also called: SLX4-Related Fanconi Anemia. Identifiers: Orphanet 84, MedGen C3469542, MONDO:0013499, OMIM 613951.
Fanconi anemia (FA). Also called: Fanconi's anemia. Identifiers: Orphanet 84, MedGen C0015625, MeSH D005199, MONDO:0019391.
Malignant tumor of breast. Also called: Malignant breast neoplasm; Cancer breast. Identifiers: MedGen C0006142, MONDO:0007254. Disease mechanism: loss of function.

Allele frequency attached by ClinVar (database versions not stated): gnomAD exomes 0.00361 and 0.00242; 1000 Genomes Project 30x 0.00781; ExAC 0.00402; ESP Exome Variant Server 0.00516; gnomAD 0.00679 and 0.00668; 1000 Genomes Project 0.00819; TOPMed 0.00704.
gnomAD v4.1: 4,650 of 1,614,178 alleles (0.29%); highest among the groups gnomAD compares: African/African-American, 1.8%; 31 homozygotes.

Submissions (14):

Dasa
Classification: Likely benign. Last evaluated: 2026-02-10. Review status: criteria provided, single submitter. Criteria: DASA Assertion Criteria. Collection method: clinical testing. Allele origin: germline.
Comment: NM_032444.4(SLX4):c.2924C>T (p.Pro975Leu) is a missense variant that results in the substitution of proline with leucine. Population frequency is inconsistent with a disease-causing role for this variant, observations in unaffected individuals support a benign interpretation, and the variant context is inconsistent with a known disease-causing mechanism. Computational prediction algorithms are consistent with a benign effect. Therefore, based on the currently available evidence, this variant is classified as likely benign.

Labcorp Genetics (formerly Invitae), Labcorp
Classification: Benign for Fanconi anemia. Last evaluated: 2026-02-03. Review status: criteria provided, single submitter. Criteria: Invitae Variant Classification Sherloc (09022015). Collection method: clinical testing. Allele origin: germline.

Laboratorio de I+D, Fundación Centro Médico de Asturias
Classification: Benign for Hereditary cancer-predisposing syndrome. Last evaluated: 2025-07-22. Review status: criteria provided, single submitter. Criteria: ACMG Guidelines, 2015. Collection method: clinical testing. Allele origin: germline.
Comment: BS1+BS2+BS4_Strong+BP1

Molecular Diagnostics Laboratory, Catalan Institute of Oncology
Classification: Benign for Hereditary cancer-predisposing syndrome. Last evaluated: 2025-07-07. Review status: criteria provided, single submitter. Criteria: ACMG Guidelines, 2015. Collection method: clinical testing. Allele origin: germline.
Comment: BA1, BP4_Moderate c.2924C>T located in exon 12 of the SLX4 gene, is predicted to result in the substitution of proline with leucine at codon 975, p.(Pro975Leu).The variant allele was found in 407/23594 alleles (7 homozygous), with a filter allele frequency of 1.5% at 99% confidence, within the African population in the gnomAD v2.1.1 database (non-cancer data set)(BA1). The SpliceAI algorithm predicts no significant impact on splicing and the REVEL meta-predictor score for this variant (0.054) suggests that it does not affect the protein function according to Pejaver 2022 thresholds (PMID: 36413997)(BP4_Moderate). To our knowledge, neither relevant clinical data nor functional studies have been reported for this variant. This variant has been identified in the ClinVar database (5x likely benign, 6x benign) but has not been identified in the LOVD database. Based on currently available information, c.2924C>T is classified as a benign variant according ACMG guidelines.

Genetic Services Laboratory, University of Chicago
Classification: Benign. Last evaluated: 2021-03-05. Review status: criteria provided, single submitter. Criteria: ACMG Guidelines, 2015. Collection method: clinical testing. Allele origin: germline. Affected: no.

GeneDx
Classification: Likely benign. Last evaluated: 2019-06-21. Review status: criteria provided, single submitter. Criteria: GeneDx Variant Classification Process June 2021. Collection method: clinical testing. Allele origin: germline. Affected: yes.

Illumina Laboratory Services, Illumina
Classification: Benign for Fanconi anemia complementation group P. Last evaluated: 2018-01-13. Review status: criteria provided, single submitter. Criteria: ICSL Variant Classification Criteria 13 December 2019. Collection method: clinical testing. Allele origin: germline.
Comment: This variant was observed in the ICSL laboratory as part of a predisposition screen in an ostensibly healthy population. It had not been previously curated by ICSL or reported in the Human Gene Mutation Database (HGMD: prior to June 1st, 2018), and was therefore a candidate for classification through an automated scoring system. Utilizing variant allele frequency, disease prevalence and penetrance estimates, and inheritance mode, an automated score was calculated to assess if this variant is too frequent to cause the disease. Based on the score and internal cut-off values, a variant classified as benign is not then subjected to further curation. The score for this variant resulted in a classification of benign for this disease.

Breakthrough Genomics
Classification: Likely benign. Review status: criteria provided, single submitter. Criteria: ACMG Guidelines, 2015. Collection method: not provided. Allele origin: germline. Inheritance: Autosomal recessive inheritance. Affected: yes.

PreventionGenetics, part of Exact Sciences
Classification: Benign. Review status: criteria provided, single submitter. Criteria: ACMG Guidelines, 2015. Collection method: clinical testing. Allele origin: germline.

Leiden Open Variation Database
Classification: Likely benign. Last evaluated: 2012-08-31. Review status: no assertion criteria provided. Collection method: curation. Allele origin: germline. Affected: yes. Not counted in ClinVar's aggregate classification.
Comment: Curator: Arleen D. Auerbach. Submitter to LOVD: Janine Bakker.

Center of Medical Genetics and Primary Health Care
Classification: Benign for Breast Cancer. Review status: no assertion criteria provided. Collection method: clinical testing. Allele origin: germline. Affected: yes. Not counted in ClinVar's aggregate classification.

Genome Diagnostics Laboratory, Amsterdam University Medical Center
Classification: Benign. Review status: no assertion criteria provided. Collection method: clinical testing. Allele origin: germline. Affected: yes. Study: VKGL Data-share Consensus. Not counted in ClinVar's aggregate classification.

Genome Diagnostics Laboratory, University Medical Center Utrecht
Classification: Likely benign. Review status: no assertion criteria provided. Collection method: clinical testing. Allele origin: germline. Affected: yes. Study: VKGL Data-share Consensus. Not counted in ClinVar's aggregate classification.

Laboratory of Diagnostic Genome Analysis, Leiden University Medical Center (LUMC)
Classification: Likely benign. Review status: no assertion criteria provided. Collection method: clinical testing. Allele origin: germline. Affected: yes. Study: VKGL Data-share Consensus. Not counted in ClinVar's aggregate classification.

Literature cited by the submitters: PubMed 22911665 (cited by Leiden Open Variation Database).